The following is an entry in ClinVar:

ClinVar aggregate classification (germline): Uncertain significance. Review status: criteria provided, multiple submitters, no conflicts (2 of 4 stars). 3 submissions from 3 submitters: Uncertain significance (2). 1 of the submissions does not count toward it. Last evaluated 2025-05-21.

Conditions:
Creatine deficiency syndrome 1.
Creatine transporter deficiency (CCDS1). Also called: Creatine Transporter (CRTR) Deficiency; Mental retardation , X-linked with seizures, short stature and midface hypoplasia; Mental retardation , X-linked, with creatine transport deficiency; X-linked creatine transporter deficiency; X-linked creatine deficiency syndrome; SLC6A8-Related Creatine Transporter Deficiency. Identifiers: Orphanet 52503, MedGen C1845862, MONDO:0010305, OMIM 300352.

Allele frequency attached by ClinVar (database versions not stated): gnomAD exomes 0.00001.

Submissions (3):

Labcorp Genetics (formerly Invitae), Labcorp
Classification: Uncertain significance for Creatine transporter deficiency. Last evaluated: 2025-05-21. Review status: criteria provided, single submitter. Criteria: Invitae Variant Classification Sherloc (09022015). Collection method: clinical testing. Allele origin: germline.
Comment: This sequence change replaces valine, which is neutral and non-polar, with isoleucine, which is neutral and non-polar, at codon 469 of the SLC6A8 protein (p.Val469Ile). This variant is present in population databases (no rsID available, gnomAD 0.004%). This variant has not been reported in the literature in individuals affected with SLC6A8-related conditions. ClinVar contains an entry for this variant (Variation ID: 1212509). Invitae Evidence Modeling of protein sequence and biophysical properties (such as structural, functional, and spatial information, amino acid conservation, physicochemical variation, residue mobility, and thermodynamic stability) indicates that this missense variant is not expected to disrupt SLC6A8 protein function with a negative predictive value of 95%. In summary, the available evidence is currently insufficient to determine the role of this variant in disease. Therefore, it has been classified as a Variant of Uncertain Significance.

GeneDx
Classification: Uncertain significance. Last evaluated: 2023-08-02. Review status: criteria provided, single submitter. Criteria: GeneDx Variant Classification Process June 2021. Collection method: clinical testing. Allele origin: germline. Affected: yes.
Comment: Not observed at significant frequency in large population cohorts (gnomAD); In silico analysis supports that this missense variant does not alter protein structure/function; Has not been previously published as pathogenic or benign to our knowledge

Natera, Inc.
Classification: Uncertain significance for Creatine deficiency syndrome 1. Last evaluated: 2021-05-26. Review status: no assertion criteria provided. Collection method: clinical testing. Allele origin: germline. Not counted in ClinVar's aggregate classification.

NM_005629.4(SLC6A8):c.1405G>A (p.Val469Ile)

Gene: SLC6A8 (solute carrier family 6 member 8; plus strand). Cytogenetic location: Xq28.
Variant type: single nucleotide variant.
Coding change: c.1405G>A on transcript NM_005629.4 (MANE Select); coding-DNA position 1405, G replaced by A.
Protein change: p.Val469Ile; replaces valine 469 with isoleucine.
Molecular consequence: missense variant.
Genome position (GRCh38, 1-based): chrX:153,694,356, G>A. VCF-style: chrX-153694356-G-A. GRCh37 (hg19) VCF-style: chrX-152959811-G-A.
Other names: c.1375G>A, p.Val459Ile (NM_001142805.2); c.1060G>A, p.Val354Ile (NM_001142806.1); short protein forms V354I, V459I, V469I.
Identifiers: ClinVar variation 1212509 (VCV001212509.10), dbSNP rs1557045470, ClinGen allele CA415087309.
Genomic context (GRCh38, chrX:153,694,356, plus strand): 5'-CCTCTGGTGGCCGTCTGCCATCCTCCCTGACTGGGCTCTGTCCCCCAGGGCGGGATGTAC[G>A]TCTTCCAGCTGTTTGACTACTACTCGGCCAGCGGCACCACCCTGCTCTGGCAGGCCTTTT-3'
Protein context (NP_005620.1, residues 459-479): LSMVTDGGMY[Val469Ile]FQLFDYYSAS